The following is an entry in ClinVar:

NM_080680.3(COL11A2):c.2758C>A (p.Pro920Thr)

Gene: COL11A2 (collagen type XI alpha 2 chain; minus strand). Cytogenetic location: 6p21.32.
Variant type: single nucleotide variant.
Coding change: c.2758C>A on transcript NM_080680.3 (MANE Select); coding-DNA position 2758, C replaced by A.
Protein change: p.Pro920Thr; replaces proline 920 with threonine.
Molecular consequence: missense variant.
Genome position (GRCh38, 1-based): chr6:33,173,092, G>T on the plus strand (C>A on the coding strand, the complement: COL11A2 is on the minus strand). VCF-style: chr6-33173092-G-T. GRCh37 (hg19) VCF-style: chr6-33140869-G-T.
Other names: c.2437C>A, p.Pro813Thr (NM_080679.3); c.2500C>A, p.Pro834Thr (NM_080681.3); short protein forms P920T, P834T, P813T.
Identifiers: ClinVar variation 162989 (VCV000162989.4), dbSNP rs727502940, ClinGen allele CA175564.

ClinVar aggregate classification (germline): Uncertain significance (1 of 4 stars; one submission).

Submission:

Laboratory for Molecular Medicine, Mass General Brigham Personalized Medicine
Classification: Uncertain significance. Last evaluated: 2013-10-05. Review status: criteria provided, single submitter. Criteria: LMM Criteria. Collection method: clinical testing. Allele origin: germline. Observed: 1 variant allele.
Comment: The Pro920Thr variant in COL11A2 has not been reported in individuals with heari ng loss and frequency data from large population studies is insufficient. Comput ational analyses (biochemical amino acid properties, conservation, AlignGVGD, an d PolyPhen2) suggest that the variant may not impact the protein, though this in formation is not predictive enough to rule out pathogenicity. In summary, additi onal data is needed to determine the clinical significance of this variant.